The following is an entry in ClinVar:

ClinVar aggregate classification (germline): Benign (1 of 4 stars; one submission).

Allele frequency attached by ClinVar (database versions not stated): 1000 Genomes Project 30x 0.95721; gnomAD exomes 0.95808; 1000 Genomes Project 0.95946; TOPMed 0.96177; gnomAD 0.96429 and 0.96497.
gnomAD v4.1: 682,025 of 710,800 alleles (96%); highest among the groups gnomAD compares: East Asian, 100%; 327,491 homozygotes.

Submission:

GeneDx
Classification: Benign. Last evaluated: 2018-06-14. Review status: criteria provided, single submitter. Criteria: GeneDx Variant Classification (06012015). Collection method: clinical testing. Allele origin: germline. Affected: yes.
Comment: This variant is considered likely benign or benign based on one or more of the following criteria: it is a conservative change, it occurs at a poorly conserved position in the protein, it is predicted to be benign by multiple in silico algorithms, and/or has population frequency not consistent with disease.

NM_022124.6(CDH23):c.2953+146C>T

Gene: CDH23 (cadherin related 23; plus strand). Cytogenetic location: 10q22.1.
Variant type: single nucleotide variant.
Coding change: c.2953+146C>T on transcript NM_022124.6 (MANE Select); 146 bases into the intron after coding-DNA position 2953, C replaced by T.
Molecular consequence: intron variant.
Genome position (GRCh38, 1-based): chr10:71,705,276, C>T. VCF-style: chr10-71705276-C-T. GRCh37 (hg19) VCF-style: chr10-73465033-C-T.
Other names: c.2953+146C>T (NM_001171930.2, NM_001171931.2).
Identifiers: ClinVar variation 678772 (VCV000678772.1), dbSNP rs1227069, ClinGen allele CA209455373.
Genomic context (GRCh38, chr10:71,705,276, plus strand): 5'-CCCCCACTGCTGTCTATTGGACTTGTAGGCACAGGCTCCCTTGTTAATGAGGTGCCCTCC[C>T]CAGCTGGAGCCATTCAACACAGCAGAGCCTTCTCCACACCTGACCACTGCCTTCAGTGCC-3'